The following is an entry in ClinVar:

NM_000037.4(ANK1):c.2885C>T (p.Pro962Leu)

Gene: ANK1 (ankyrin 1; minus strand). Cytogenetic location: 8p11.21.
Variant type: single nucleotide variant.
Coding change: c.2885C>T on transcript NM_000037.4 (MANE Select); coding-DNA position 2885, C replaced by T.
Protein change: p.Pro962Leu; replaces proline 962 with leucine.
Molecular consequence: missense variant.
Genome position (GRCh38, 1-based): chr8:41,696,438, G>A on the plus strand (C>T on the coding strand, the complement: ANK1 is on the minus strand). VCF-style: chr8-41696438-G-A. GRCh37 (hg19) VCF-style: chr8-41553956-G-A.
Other names: p.Pro962Leu; c.3008C>T, p.Pro1003Leu (NM_001142446.2); c.2885C>T, p.Pro962Leu (NM_020475.3, NM_020476.3, NM_020477.3); short protein forms P1003L, P962L.
Identifiers: ClinVar variation 2683014 (VCV002683014.1), dbSNP rs140978700, ClinGen allele CA4728055.

ClinVar aggregate classification (germline): Uncertain significance (1 of 4 stars; one submission).

Allele frequency attached by ClinVar (database versions not stated): TOPMed 0.00003; gnomAD 0.00004; ESP Exome Variant Server 0.00008.
gnomAD v4.1: 20 of 1,613,280 alleles (0.0012%); highest among the groups gnomAD compares: Middle Eastern, 0.016%; no homozygotes.

Submission:

Mayo Clinic Laboratories, Mayo Clinic
Classification: Uncertain significance. Last evaluated: 2022-07-14. Review status: criteria provided, single submitter. Criteria: ACMG Guidelines, 2015. Collection method: clinical testing. Allele origin: germline. Observed: 1 variant allele.
Comment: PM1